The following is an entry in ClinVar:

NM_000492.4(CFTR):c.1766+2T>G

Gene: CFTR (CF transmembrane conductance regulator; plus strand). Cytogenetic location: 7q31.2.
Variant type: single nucleotide variant.
Coding change: c.1766+2T>G on transcript NM_000492.4 (MANE Select); the canonical splice donor site of the intron after coding-DNA position 1766, T replaced by G.
Molecular consequence: splice donor variant.
Genome position (GRCh38, 1-based): chr7:117,590,441, T>G. VCF-style: chr7-117590441-T-G. GRCh37 (hg19) VCF-style: chr7-117230495-T-G.
Identifiers: ClinVar variation 1330091 (VCV001330091.1), dbSNP rs1554389062, ClinGen allele CA368977306.
Genomic context (GRCh38, chr7:117,590,441, plus strand): 5'-TTATTAGACTCTCCTTTTGGATACCTAGATGTTTTAACAGAAAAAGAAATATTTGAAAGG[T>G]ATGTTCTTTGAATACCTTACTTATAATGCTCATGCTAAAATAAAAGAAAGACAGACTGTC-3'

ClinVar aggregate classification (germline): Likely pathogenic (1 of 4 stars; one submission).

Submission:

Quest Diagnostics Nichols Institute San Juan Capistrano
Classification: Likely pathogenic. Last evaluated: 2021-03-16. Review status: criteria provided, single submitter. Criteria: Quest Diagnostics criteria. Collection method: clinical testing. Allele origin: unknown.
Comment: This variant is located in a canonical splice-donor site and is predicted to interfere with normal CFTR mRNA splicing. To the best of our knowledge, the variant has not been reported in the published literature. This variant has not been reported in large, multi-ethnic general populations. Based on the available information, the variant is predicted to be likely pathogenic.